The following is an entry in ClinVar:

ClinVar aggregate classification (germline): Uncertain significance. Review status: criteria provided, multiple submitters, no conflicts (2 of 4 stars). 7 submissions from 7 submitters: Uncertain significance (7). Last evaluated 2025-06-19.

Conditions:
Fanconi anemia (FA). Also called: Fanconi's anemia. Identifiers: Orphanet 84, MedGen C0015625, MeSH D005199, MONDO:0019391.
FANCM-related disorder. Also called: FANCM-related condition.
Premature ovarian failure 15. Identifiers: MedGen C4748170, MONDO:0054862, OMIM 618096.
Spermatogenic failure 28. Identifiers: MedGen C4748117, MONDO:0054732, OMIM 618086.

Allele frequency attached by ClinVar (database versions not stated): gnomAD 0.00001; ExAC 0.00002; gnomAD exomes 0.00002 and 0.00003; TOPMed 0.00002; ESP Exome Variant Server 0.00015; 1000 Genomes Project 30x 0.00016; 1000 Genomes Project 0.00020.
gnomAD v4.1: 39 of 1,608,578 alleles (0.0024%); highest among the groups gnomAD compares: Admixed American, 0.0033%; no homozygotes.

Submissions (7):

Quest Diagnostics Nichols Institute San Juan Capistrano
Classification: Uncertain significance. Last evaluated: 2025-06-19. Review status: criteria provided, single submitter. Criteria: Quest Diagnostics criteria. Collection method: clinical testing. Allele origin: unknown.
Comment: The FANCM c.4126G>A (p.Ala1376Thr) variant has been reported in both breast cancer patients and reportedly unaffected individuals in breast cancer association studies (PMIDs: 36707629 (2023), 33471991 (2021) see also LOVD). The frequency of this variant in the general population (Genome Aggregation Database) is uninformative in the assessment of its pathogenicity. Analysis of this variant using bioinformatics tools for the prediction of the effect of amino acid changes on protein structure and function yielded predictions that this variant is benign. Based on the available information, we are unable to determine the clinical significance of this variant.

Dasa
Classification: Uncertain significance. Last evaluated: 2025-05-17. Review status: criteria provided, single submitter. Criteria: DASA Assertion Criteria. Collection method: clinical testing. Allele origin: germline.
Comment: NM_020937.4(FANCM):c.4126G>A (p.Ala1376Thr) is a missense variant that results in the substitution of alanine with threonine. This variant is rare in population databases. Computational prediction algorithms are consistent with a benign effect. The currently available literature and clinical evidence are not sufficient to establish a definitive association between this variant and the reported condition. Therefore, this variant is classified as a variant of uncertain significance.

PreventionGenetics, part of Exact Sciences
Classification: Uncertain significance for FANCM-related condition. Last evaluated: 2025-01-17. Review status: criteria provided, single submitter. Criteria: ACMG Guidelines, 2015. Collection method: clinical testing. Allele origin: germline.
Comment: The FANCM c.4126G>A variant is predicted to result in the amino acid substitution p.Ala1376Thr. To our knowledge, this variant has not been reported in the literature. This variant is reported in 0.0054% of alleles in individuals of East Asian descent in gnomAD. At this time, the clinical significance of this variant is uncertain due to the absence of conclusive functional and genetic evidence.

Labcorp Genetics (formerly Invitae), Labcorp
Classification: Uncertain significance for Fanconi anemia. Last evaluated: 2023-05-17. Review status: criteria provided, single submitter. Criteria: Invitae Variant Classification Sherloc (09022015). Collection method: clinical testing. Allele origin: germline.
Comment: In summary, the available evidence is currently insufficient to determine the role of this variant in disease. Therefore, it has been classified as a Variant of Uncertain Significance. Algorithms developed to predict the effect of missense changes on protein structure and function output the following: SIFT: "Not Available"; PolyPhen-2: "Benign"; Align-GVGD: "Not Available". The threonine amino acid residue is found in multiple mammalian species, which suggests that this missense change does not adversely affect protein function. ClinVar contains an entry for this variant (Variation ID: 625942). This variant has not been reported in the literature in individuals affected with FANCM-related conditions. This variant is present in population databases (rs373590893, gnomAD 0.006%). This sequence change replaces alanine, which is neutral and non-polar, with threonine, which is neutral and polar, at codon 1376 of the FANCM protein (p.Ala1376Thr).

GeneDx
Classification: Uncertain significance. Last evaluated: 2023-03-14. Review status: criteria provided, single submitter. Criteria: GeneDx Variant Classification Process June 2021. Collection method: clinical testing. Allele origin: germline.
Comment: Not observed at significant frequency in large population cohorts (gnomAD); In silico analysis supports that this missense variant does not alter protein structure/function; Has not been previously published as pathogenic or benign to our knowledge

Fulgent Genetics
Classification: Uncertain significance for Spermatogenic failure 28; Premature ovarian failure 15. Last evaluated: 2021-09-07. Review status: criteria provided, single submitter. Criteria: ACMG Guidelines, 2015. Collection method: clinical testing. Allele origin: unknown.

Center for Genomics, Ann and Robert H. Lurie Children's Hospital of Chicago
Classification: Uncertain significance for Premature ovarian failure 15; Spermatogenic failure 28. Review status: criteria provided, single submitter. Criteria: ACMG Guidelines, 2015. Collection method: clinical testing. Allele origin: germline.
Comment: FANCM NM_020937.3 exon 14 p.Ala1376Thr (c.4126G>A): This variant has not been reported in the literature and is present in 0.005% (1/18362) of East Asian alleles in the Genome Aggregation Database. This variant is present in ClinVar (Variation ID:625942). This variant amino acid Threonine (Thr) is present in several species including multiple primates and other mammals, and it is not well conserved among evolutionarily distant species; this suggests that this variant may not impact the protein. Additional computational prediction tools do not suggest an impact. In summary, data on this variant is insufficient for disease classification. Therefore, the clinical significance of this variant is uncertain.

Literature cited by the submitters: PubMed 32235514 (cited by Quest Diagnostics Nichols Institute San Juan Capistrano); PubMed 37349538 (cited by Quest Diagnostics Nichols Institute San Juan Capistrano); PubMed 36707629 (cited by Quest Diagnostics Nichols Institute San Juan Capistrano).

NM_020937.4(FANCM):c.4126G>A (p.Ala1376Thr)

Gene: FANCM (FA complementation group M; plus strand). Cytogenetic location: 14q21.2.
Variant type: single nucleotide variant.
Coding change: c.4126G>A on transcript NM_020937.4 (MANE Select); coding-DNA position 4126, G replaced by A.
Protein change: p.Ala1376Thr; replaces alanine 1376 with threonine.
Molecular consequence: missense variant.
Genome position (GRCh38, 1-based): chr14:45,176,880, G>A. VCF-style: chr14-45176880-G-A. GRCh37 (hg19) VCF-style: chr14-45646083-G-A.
Other names: c.4126G>A (LRG_502t1, NM_020937.3); c.4048G>A, p.Ala1350Thr (NM_001308133.2); short protein forms A1376T, A1350T.
Identifiers: ClinVar variation 625942 (VCV000625942.19), dbSNP rs373590893, ClinGen allele CA7169629.